The following is an entry in ClinVar:

NM_182641.4(BPTF):c.5347A>T (p.Met1783Leu)

Gene: BPTF (bromodomain PHD finger transcription factor; plus strand). Cytogenetic location: 17q24.2.
Variant type: single nucleotide variant.
Coding change: c.5347A>T on transcript NM_182641.4 (MANE Select); coding-DNA position 5347, A replaced by T.
Protein change: p.Met1783Leu; replaces methionine 1783 with leucine.
Molecular consequence: missense variant.
Genome position (GRCh38, 1-based): chr17:67,918,757, A>T. VCF-style: chr17-67918757-A-T. GRCh37 (hg19) VCF-style: chr17-65914873-A-T.
Other names: c.5725A>T, p.Met1909Leu (NM_004459.7); short protein forms M1783L, M1909L.
Identifiers: ClinVar variation 3702359 (VCV003702359.2).

ClinVar aggregate classification (germline): Uncertain significance (1 of 4 stars; one submission).

Submission:

Labcorp Genetics (formerly Invitae), Labcorp
Classification: Uncertain significance. Last evaluated: 2024-06-28. Review status: criteria provided, single submitter. Criteria: Invitae Variant Classification Sherloc (09022015). Collection method: clinical testing. Allele origin: germline.
Comment: This sequence change replaces methionine, which is neutral and non-polar, with leucine, which is neutral and non-polar, at codon 1909 of the BPTF protein (p.Met1909Leu). This variant is present in population databases (rs140283792, gnomAD 0.007%). This variant has not been reported in the literature in individuals affected with BPTF-related conditions. Algorithms developed to predict the effect of missense changes on protein structure and function are either unavailable or do not agree on the potential impact of this missense change (SIFT: "Not Available"; PolyPhen-2: "Probably Damaging"; Align-GVGD: "Not Available"). In summary, the available evidence is currently insufficient to determine the role of this variant in disease. Therefore, it has been classified as a Variant of Uncertain Significance.